The following is an entry in ClinVar:

NM_001128228.3(TPRN):c.1517A>G (p.Lys506Arg)

Gene: TPRN (taperin; minus strand). Cytogenetic location: 9q34.3.
Variant type: single nucleotide variant.
Coding change: c.1517A>G on transcript NM_001128228.3 (MANE Select); coding-DNA position 1517, A replaced by G.
Protein change: p.Lys506Arg; replaces lysine 506 with arginine.
Molecular consequence: missense variant.
Genome position (GRCh38, 1-based): chr9:137,199,195, T>C on the plus strand (A>G on the coding strand, the complement: TPRN is on the minus strand). VCF-style: chr9-137199195-T-C. GRCh37 (hg19) VCF-style: chr9-140093647-T-C.
Other names: short protein forms K506R.
Identifiers: ClinVar variation 1348608 (VCV001348608.8), dbSNP rs765183845, ClinGen allele CA5362720.

ClinVar aggregate classification (germline): Uncertain significance (1 of 4 stars; one submission).

Allele frequency attached by ClinVar (database versions not stated): gnomAD 0.00001; TOPMed 0.00005.
gnomAD v4.1: 8 of 1,613,074 alleles (0.0005%); highest among the groups gnomAD compares: East Asian, 0.0045%; no homozygotes.

Submission:

Labcorp Genetics (formerly Invitae), Labcorp
Classification: Uncertain significance. Last evaluated: 2021-07-12. Review status: criteria provided, single submitter. Criteria: Invitae Variant Classification Sherloc (09022015). Collection method: clinical testing. Allele origin: germline.
Comment: Algorithms developed to predict the effect of missense changes on protein structure and function output the following: SIFT: "Deleterious"; PolyPhen-2: "Possibly Damaging"; Align-GVGD: "Class C25". The arginine amino acid residue is found in multiple mammalian species, suggesting that this missense change does not adversely affect protein function. These predictions have not been confirmed by published functional studies and their clinical significance is uncertain. This sequence change replaces lysine with arginine at codon 506 of the TPRN protein (p.Lys506Arg). The lysine residue is highly conserved and there is a small physicochemical difference between lysine and arginine. This variant is present in population databases (rs765183845, ExAC 0.01%). This variant has not been reported in the literature in individuals with TPRN-related conditions. In summary, the available evidence is currently insufficient to determine the role of this variant in disease. Therefore, it has been classified as a Variant of Uncertain Significance.